The following is an entry in ClinVar:

NM_001365951.3(KIF1B):c.2615C>T (p.Thr872Ile)

Gene: KIF1B (kinesin family member 1B; plus strand). Cytogenetic location: 1p36.22.
Variant type: single nucleotide variant.
Coding change: c.2615C>T on transcript NM_001365951.3 (MANE Select); coding-DNA position 2615, C replaced by T.
Protein change: p.Thr872Ile; replaces threonine 872 with isoleucine.
Molecular consequence: missense variant.
Genome position (GRCh38, 1-based): chr1:10,324,835, C>T. VCF-style: chr1-10324835-C-T. GRCh37 (hg19) VCF-style: chr1-10384893-C-T.
Other names: c.2615C>T, p.Thr872Ile (NM_001365952.1); c.2477C>T, p.Thr826Ile (NM_015074.3); short protein forms T826I, T872I.
Identifiers: ClinVar variation 3226402 (VCV003226402.1), dbSNP rs2521630307, ClinGen allele CA338335699.

ClinVar aggregate classification (germline): Uncertain significance (1 of 4 stars; one submission).

Allele frequency attached by ClinVar (database versions not stated): gnomAD exomes below 0.00001.
gnomAD v4.1: 1 of 1,614,116 alleles (0.000062%); highest among the groups gnomAD compares: African/African-American, 0.0013%; no homozygotes.

Submission:

Ambry Genetics
Classification: Uncertain significance. Last evaluated: 2023-11-09. Review status: criteria provided, single submitter. Criteria: Ambry Variant Classification Scheme 2023. Collection method: clinical testing. Allele origin: germline.
Comment: The p.T826I variant (also known as c.2477C>T), located in coding exon 23 of the KIF1B gene, results from a C to T substitution at nucleotide position 2477. The threonine at codon 826 is replaced by isoleucine, an amino acid with similar properties. This amino acid position is conserved. In addition, this alteration is predicted to be tolerated by in silico analysis. Since supporting evidence is limited at this time, the clinical significance of this alteration remains unclear.